The following is an entry in ClinVar:

NM_001754.5(RUNX1):c.500G>C (p.Ser167Thr)

Genes: RUNX1 (RUNX family transcription factor 1; minus strand), RUNX1-AS1 (RUNX1 antisense RNA 1; plus strand). Cytogenetic location: 21q22.12.
Variant type: single nucleotide variant.
Coding change: c.500G>C on transcript NM_001754.5 (MANE Select); coding-DNA position 500, G replaced by C.
Protein change: p.Ser167Thr; replaces serine 167 with threonine.
Molecular consequence: missense variant.
Genome position (GRCh38, 1-based): chr21:34,880,565, C>G on the plus strand (G>C on the coding strand, the complement: RUNX1 is on the minus strand). VCF-style: chr21-34880565-C-G. GRCh37 (hg19) VCF-style: chr21-36252862-C-G.
Other names: NM_001754.5(RUNX1):c.500G>C; p.Ser167Thr; c.419G>C, p.Ser140Thr (NM_001001890.3, NM_001122607.2); short protein forms S167T, S140T.
Identifiers: ClinVar variation 1351602 (VCV001351602.11), dbSNP rs2146360406, ClinGen allele CA410202484.

ClinVar aggregate classification (germline): Likely pathogenic. Review status: reviewed by expert panel (3 of 4 stars). 2 submissions from 2 submitters: Likely pathogenic (1). 1 of the submissions does not count toward it. Last evaluated 2026-04-29.

Conditions:
Hereditary thrombocytopenia and hematologic cancer predisposition syndrome. Identifiers: Orphanet 71290, MedGen CN281654, MONDO:0011071.
Hereditary thrombocytopenia and hematological cancer predisposition syndrome associated with RUNX1. Also called: PLATELET DISORDER, ASPIRIN-LIKE; RUNX1 Familial Platelet Disorder with Associated Myeloid Malignancies; Familial Platelet Disorder with Propensity to Acute Myelogenous Leukemia; Familial thrombocytopenia with propensity to acute myelogenous leukemia. Identifiers: Orphanet 71290, MedGen C1832388, MeSH C563324, MONDO:0100083, OMIM 601399.

Submissions (2):

ClinGen Myeloid Malignancy Variant Curation Expert Panel
Classification: Likely pathogenic for Hereditary thrombocytopenia and hematologic cancer predisposition syndrome. Last evaluated: 2026-04-29. Review status: reviewed by expert panel. Criteria: ClinGen MyeloMalig ACMG Specifications V3.1. Collection method: curation. Allele origin: germline. Inheritance: Autosomal dominant inheritance.
Comment: NM_001754.5(RUNX1):c.500G>C (p.Ser167Thr) is a missense variant which affects one of the hotspot residues (S167) in the RHD (PM1_strong). This variant has a REVEL score ≥ 0.88 (0.921) (PP3) and is completely absent from all population databases with at least 20x coverage for RUNX1 (PM2_supporting). In summary, this variant meets criteria to be classified as likely pathogenic. ACMG/AMP criteria applied, as specified by the Myeloid Malignancy Variant Curation Expert Panel for RUNX1: PM1_strong, PP3, PM2_supporting.

Labcorp Genetics (formerly Invitae), Labcorp
Classification: Uncertain significance for Hereditary thrombocytopenia and hematological cancer predisposition syndrome associated with RUNX1. Last evaluated: 2021-03-20. Review status: criteria provided, single submitter. Criteria: Invitae Variant Classification Sherloc (09022015). Collection method: clinical testing. Allele origin: germline. Not counted in ClinVar's aggregate classification.
Comment: This sequence change replaces serine with threonine at codon 167 of the RUNX1 protein (p.Ser167Thr). The serine residue is moderately conserved and there is a small physicochemical difference between serine and threonine. This variant is not present in population databases (ExAC no frequency). This variant has not been reported in the literature in individuals with RUNX1-related conditions. Algorithms developed to predict the effect of missense changes on protein structure and function are either unavailable or do not agree on the potential impact of this missense change (SIFT: "Deleterious"; PolyPhen-2: "Probably Damaging"; Align-GVGD: "Class C0"). This variant disrupts the p.Ser167 amino acid residue in RUNX1. Other variant(s) that disrupt this residue have been determined to be pathogenic (PMID: 24853048, 25159113). This suggests that this residue is clinically significant, and that variants that disrupt this residue are likely to be disease-causing. In summary, the available evidence is currently insufficient to determine the role of this variant in disease. Therefore, it has been classified as a Variant of Uncertain Significance.

Literature cited by the submitters: PubMed 24853048 (cited by Labcorp Genetics (formerly Invitae), Labcorp); PubMed 25159113 (cited by Labcorp Genetics (formerly Invitae), Labcorp).